The following is an entry in ClinVar:

ClinVar aggregate classification (germline): Likely benign. Review status: criteria provided, single submitter (1 of 4 stars). 3 submissions from 3 submitters: Likely benign (1). 2 of the submissions do not count toward it. Last evaluated 2025-10-01.

Allele frequency attached by ClinVar (database versions not stated): gnomAD exomes below 0.00001 and 0.00001.
gnomAD v4.1: 2 of 1,198,321 alleles (0.00017%); highest among the groups gnomAD compares: Non-Finnish European, 0.00022%; no homozygotes.

Submissions (3):

CeGaT Center for Human Genetics Tuebingen
Classification: Likely benign. Last evaluated: 2025-10-01. Review status: criteria provided, single submitter. Criteria: CeGaT Center For Human Genetics Tuebingen Variant Classification Criteria Version 2. Collection method: clinical testing. Allele origin: germline. Affected: yes. Observed: 1 variant allele.
Comment: LAMP2: BP4, BP7

Clinical Genetics DNA and cytogenetics Diagnostics Lab, Erasmus MC, Erasmus Medical Center
Classification: Likely benign. Review status: no assertion criteria provided. Collection method: clinical testing. Allele origin: germline. Affected: yes. Study: VKGL Data-share Consensus. Not counted in ClinVar's aggregate classification.

Joint Genome Diagnostic Labs from Nijmegen and Maastricht, Radboudumc and MUMC+
Classification: Likely benign. Review status: no assertion criteria provided. Collection method: clinical testing. Allele origin: germline. Affected: yes. Study: VKGL Data-share Consensus. Not counted in ClinVar's aggregate classification.

NM_002294.3(LAMP2):c.*2755G>C

Gene: LAMP2 (lysosome associated membrane protein 2; minus strand). Cytogenetic location: Xq24.
Variant type: single nucleotide variant.
Coding change: c.*2755G>C on transcript NM_002294.3 (MANE Select); 2755 bases downstream of the stop codon, G replaced by C.
Molecular consequence: 3 prime UTR variant. On other transcripts: synonymous variant (1).
Genome position (GRCh38, 1-based): chrX:120,428,568, C>G on the plus strand (G>C on the coding strand, the complement: LAMP2 is on the minus strand). VCF-style: chrX-120428568-C-G. GRCh37 (hg19) VCF-style: chrX-119562423-C-G.
Other names: c.1152G>C, p.Val384= (NM_001122606.1).
Identifiers: ClinVar variation 1299971 (VCV001299971.8), dbSNP rs1274595954, ClinGen allele CA518398392.